The following is an entry in ClinVar:

NM_181672.3(OGT):c.907C>G (p.Leu303Val)

Gene: OGT (O-linked N-acetylglucosamine (GlcNAc) transferase; plus strand). Cytogenetic location: Xq13.1.
Variant type: single nucleotide variant.
Coding change: c.907C>G on transcript NM_181672.3 (MANE Select); coding-DNA position 907, C replaced by G.
Protein change: p.Leu303Val; replaces leucine 303 with valine.
Molecular consequence: missense variant.
Genome position (GRCh38, 1-based): chrX:71,555,368, C>G. VCF-style: chrX-71555368-C-G. GRCh37 (hg19) VCF-style: chrX-70775218-C-G.
Other names: c.877C>G, p.Leu293Val (NM_181673.3); short protein forms L293V, L303V.
Identifiers: ClinVar variation 3381692 (VCV003381692.1).

ClinVar aggregate classification (germline): Uncertain significance (1 of 4 stars; one submission).

Submission:

GeneDx
Classification: Uncertain significance. Last evaluated: 2024-05-22. Review status: criteria provided, single submitter. Criteria: GeneDx Variant Classification Process June 2021. Collection method: clinical testing. Allele origin: germline. Affected: yes.
Comment: Not observed at significant frequency in large population cohorts (gnomAD); In silico analysis supports that this missense variant has a deleterious effect on protein structure/function; Has not been previously published as pathogenic or benign to our knowledge